The following is an entry in ClinVar:

NM_000264.5(PTCH1):c.1503+19A>T

Gene: PTCH1 (patched 1; minus strand). Cytogenetic location: 9q22.32.
Variant type: single nucleotide variant.
Coding change: c.1503+19A>T on transcript NM_000264.5 (MANE Select); 19 bases into the intron after coding-DNA position 1503, A replaced by T.
Molecular consequence: intron variant.
Genome position (GRCh38, 1-based): chr9:95,477,528, T>A on the plus strand (A>T on the coding strand, the complement: PTCH1 is on the minus strand). VCF-style: chr9-95477528-T-A. GRCh37 (hg19) VCF-style: chr9-98239810-T-A.
Other names: c.1050+19A>T (NM_001083606.3, NM_001083607.3, NM_001083605.3 and 1 more transcripts); c.1500+19A>T (NM_001083603.3); c.1305+19A>T (NM_001083602.3); c.1347+527A>T (NM_001354918.2).
Identifiers: ClinVar variation 386992 (VCV000386992.13), dbSNP rs201193230, ClinGen allele CA5138645.
Genomic context (GRCh38, chr9:95,477,528, plus strand): 5'-CACAGGAGGCTGGCTGGGCCAAGCCTGGGGGCCGGGTGGCATTTGTCAACGGACAGCAGA[T>A]AAATGGCTCCTTTAGTACCTGAGTTGTTGCAGCGTTAAAGGAAATTCCGATCAATGAGCA-3'

ClinVar aggregate classification (germline): Likely benign. Review status: criteria provided, multiple submitters, no conflicts (2 of 4 stars). 2 submissions from 2 submitters: Likely benign (2). Last evaluated 2024-08-15.

Conditions:
Gorlin syndrome. Also called: Nevoid Basal Cell Carcinoma Syndrome; Basal cell nevus syndrome. Identifiers: Orphanet 377, MedGen C0004779, MONDO:0007187.

Allele frequency attached by ClinVar (database versions not stated): gnomAD exomes 0.00001; TOPMed 0.00001; ExAC 0.00002.
gnomAD v4.1: 29 of 1,614,106 alleles (0.0018%); highest among the groups gnomAD compares: Non-Finnish European, 0.0025%; no homozygotes.

Submissions (2):

Labcorp Genetics (formerly Invitae), Labcorp
Classification: Likely benign for Gorlin syndrome. Last evaluated: 2024-08-15. Review status: criteria provided, single submitter. Criteria: Invitae Variant Classification Sherloc (09022015). Collection method: clinical testing. Allele origin: germline.

GeneDx
Classification: Likely benign. Last evaluated: 2016-06-16. Review status: criteria provided, single submitter. Criteria: GeneDx Variant Classification (06012015). Collection method: clinical testing. Allele origin: germline. Affected: yes.
Comment: This variant is considered likely benign or benign based on one or more of the following criteria: it is a conservative change, it occurs at a poorly conserved position in the protein, it is predicted to be benign by multiple in silico algorithms, and/or has population frequency not consistent with disease.